The following is an entry in ClinVar:

NM_001363711.2(DUOX2):c.4045T>G (p.Ser1349Ala)

Gene: DUOX2 (dual oxidase 2; minus strand). Cytogenetic location: 15q21.1.
Variant type: single nucleotide variant.
Coding change: c.4045T>G on transcript NM_001363711.2 (MANE Select); coding-DNA position 4045, T replaced by G.
Protein change: p.Ser1349Ala; replaces serine 1349 with alanine.
Molecular consequence: missense variant.
Genome position (GRCh38, 1-based): chr15:45,095,863, A>C on the plus strand (T>G on the coding strand, the complement: DUOX2 is on the minus strand). VCF-style: chr15-45095863-A-C. GRCh37 (hg19) VCF-style: chr15-45388061-A-C.
Other names: c.4045T>G, p.Ser1349Ala (NM_014080.5); short protein forms S1349A.
Identifiers: ClinVar variation 1379787 (VCV001379787.5), dbSNP rs777238983, ClinGen allele CA7537661.

ClinVar aggregate classification (germline): Uncertain significance (1 of 4 stars; one submission).

Allele frequency attached by ClinVar (database versions not stated): gnomAD exomes below 0.00001; ExAC 0.00001.

Submission:

Labcorp Genetics (formerly Invitae), Labcorp
Classification: Uncertain significance. Last evaluated: 2024-07-06. Review status: criteria provided, single submitter. Criteria: Invitae Variant Classification Sherloc (09022015). Collection method: clinical testing. Allele origin: germline.
Comment: This sequence change replaces serine, which is neutral and polar, with alanine, which is neutral and non-polar, at codon 1349 of the DUOX2 protein (p.Ser1349Ala). This variant is present in population databases (rs777238983, gnomAD 0.0009%). This variant has not been reported in the literature in individuals affected with DUOX2-related conditions. ClinVar contains an entry for this variant (Variation ID: 1379787). Advanced modeling of protein sequence and biophysical properties (such as structural, functional, and spatial information, amino acid conservation, physicochemical variation, residue mobility, and thermodynamic stability) performed at Invitae indicates that this missense variant is not expected to disrupt DUOX2 protein function with a negative predictive value of 80%. In summary, the available evidence is currently insufficient to determine the role of this variant in disease. Therefore, it has been classified as a Variant of Uncertain Significance.